The following is an entry in ClinVar:

ClinVar aggregate classification (germline): Benign. Review status: criteria provided, single submitter (1 of 4 stars). 2 submissions from 2 submitters: Benign (1). 1 of the submissions does not count toward it. Last evaluated 2025-12-18.

Conditions:
SULT2B1-related disorder. Also called: SULT2B1-related condition.

Allele frequency attached by ClinVar (database versions not stated): TOPMed 0.00011; gnomAD 0.00036; gnomAD exomes 0.00072; ExAC 0.00157; 1000 Genomes Project 0.00240; 1000 Genomes Project 30x 0.00250.
gnomAD v4.1: 1,106 of 1,614,018 alleles (0.069%); highest among the groups gnomAD compares: South Asian, 1.1%; 25 homozygotes.

Submissions (2):

Labcorp Genetics (formerly Invitae), Labcorp
Classification: Benign. Last evaluated: 2025-12-18. Review status: criteria provided, single submitter. Criteria: Invitae Variant Classification Sherloc (09022015). Collection method: clinical testing. Allele origin: germline.

PreventionGenetics, part of Exact Sciences
Classification: Benign for SULT2B1-related condition. Last evaluated: 2020-03-10. Review status: no assertion criteria provided. Collection method: clinical testing. Allele origin: germline. Not counted in ClinVar's aggregate classification.
Comment: This variant is classified as benign based on ACMG/AMP sequence variant interpretation guidelines (Richards et al. 2015 PMID: 25741868, with internal and published modifications).

NM_177973.2(SULT2B1):c.29C>T (p.Pro10Leu)

Gene: SULT2B1 (sulfotransferase family 2B member 1; plus strand). Cytogenetic location: 19q13.33.
Variant type: single nucleotide variant.
Coding change: c.29C>T on transcript NM_177973.2 (MANE Select); coding-DNA position 29, C replaced by T.
Protein change: p.Pro10Leu; replaces proline 10 with leucine.
Molecular consequence: missense variant.
Genome position (GRCh38, 1-based): chr19:48,552,281, C>T. VCF-style: chr19-48552281-C-T. GRCh37 (hg19) VCF-style: chr19-49055538-C-T.
Other names: c.29C>T (NM_177973.1); short protein forms P10L.
Identifiers: ClinVar variation 2056152 (VCV002056152.6), dbSNP rs527440291, ClinGen allele CA9552940.
Genomic context (GRCh38, chr19:48,552,281, plus strand): 5'-CGTCCTCCCCTCCCCACCCTCACCCACCTGCCATGGACGGGCCCGCCGAGCCCCAGATCC[C>T]GGGCTTGTGGGACACCTATGAAGATGACATCTCGGAAATCAGGTGAGGCCCAGACCTGGG-3'
Protein context (NP_814444.1, residues 1-20): MDGPAEPQI[Pro10Leu]GLWDTYEDDI